The following is an entry in ClinVar:

NM_001267550.2(TTN):c.106991T>G (p.Ile35664Ser)

Genes: TTN-AS1 (TTN antisense RNA 1; plus strand), TTN (titin; minus strand). Cytogenetic location: 2q31.2.
Variant type: single nucleotide variant.
Coding change: c.106991T>G on transcript NM_001267550.2 (MANE Select); coding-DNA position 106991, T replaced by G.
Protein change: p.Ile35664Ser; replaces isoleucine 35664 with serine.
Molecular consequence: missense variant.
Genome position (GRCh38, 1-based): chr2:178,528,760, A>C on the plus strand (T>G on the coding strand, the complement: TTN is on the minus strand). VCF-style: chr2-178528760-A-C. GRCh37 (hg19) VCF-style: chr2-179393487-A-C.
Other names: c.102068T>G, p.Ile34023Ser (NM_001256850.1); c.79796T>G, p.Ile26599Ser (NM_003319.4); c.99287T>G, p.Ile33096Ser (NM_133378.4); c.80171T>G, p.Ile26724Ser (NM_133432.3); c.80372T>G, p.Ile26791Ser (NM_133437.4); short protein forms I35664S, I33096S, I26599S, I26724S, I26791S, I34023S.
Identifiers: ClinVar variation 404931 (VCV000404931.9), dbSNP rs1060500501, ClinGen allele CA16610187.

ClinVar aggregate classification (germline): Uncertain significance (1 of 4 stars; one submission).

Conditions:
Dilated cardiomyopathy 1G (CMD1G). Identifiers: Orphanet 154, MedGen C1858763, MONDO:0011400, OMIM 604145.
Autosomal recessive limb-girdle muscular dystrophy type 2J (LGMDR10). Also called: Limb-girdle muscular dystrophy, type 2J; MUSCULAR DYSTROPHY, LIMB-GIRDLE, AUTOSOMAL RECESSIVE 10. Identifiers: Orphanet 140922, MedGen C1837342, MONDO:0012127, OMIM 608807.

Allele frequency attached by ClinVar (database versions not stated): gnomAD exomes below 0.00001.
gnomAD v4.1: 1 of 1,612,712 alleles (0.000062%); highest among the groups gnomAD compares: Non-Finnish European, 0.000085%; no homozygotes.

Submission:

Labcorp Genetics (formerly Invitae), Labcorp
Classification: Uncertain significance for Dilated cardiomyopathy 1G; Autosomal recessive limb-girdle muscular dystrophy type 2J. Last evaluated: 2024-11-04. Review status: criteria provided, single submitter. Criteria: Invitae Variant Classification Sherloc (09022015). Collection method: clinical testing. Allele origin: germline.
Comment: This sequence change replaces isoleucine, which is neutral and non-polar, with serine, which is neutral and polar, at codon 35664 of the TTN protein (p.Ile35664Ser). This variant is present in population databases (no rsID available, gnomAD 0.0009%). This variant has not been reported in the literature in individuals affected with TTN-related conditions. ClinVar contains an entry for this variant (Variation ID: 404931). Experimental studies and prediction algorithms are not available or were not evaluated, and the functional significance of this variant is currently unknown. This variant is located in the M band of TTN (PMID: 25589632). Non-truncating variants in this region may be relevant for neuromuscular disorders, but have not been definitively shown to cause cardiomyopathy (PMID: 23975875). In summary, the available evidence is currently insufficient to determine the role of this variant in disease. Therefore, it has been classified as a Variant of Uncertain Significance.

Literature cited by the submitters: PubMed 25589632; PubMed 23975875.